The following is an entry in ClinVar:

NM_000059.4(BRCA2):c.7512T>A (p.Phe2504Leu)

Gene: BRCA2 (BRCA2 DNA repair associated; plus strand). Cytogenetic location: 13q13.1.
Variant type: single nucleotide variant.
Coding change: c.7512T>A on transcript NM_000059.4 (MANE Select); coding-DNA position 7512, T replaced by A.
Protein change: p.Phe2504Leu; replaces phenylalanine 2504 with leucine.
Molecular consequence: missense variant. On other transcripts: non-coding transcript variant (1).
Genome position (GRCh38, 1-based): chr13:32,356,504, T>A. VCF-style: chr13-32356504-T-A. GRCh37 (hg19) VCF-style: chr13-32930641-T-A.
Other names: c.7416T>A, p.Phe2472Leu (NM_001406719.1); c.7512T>A, p.Phe2504Leu (NM_001406720.1); c.2580T>A, p.Phe860Leu (NM_001406721.1); c.1095T>A, p.Phe365Leu (NM_001406722.1); short protein forms F2472L, F2504L, F365L, F860L.
Identifiers: ClinVar variation 3228617 (VCV003228617.3), dbSNP rs80358977, ClinGen allele CA387743477.

ClinVar aggregate classification (germline): Uncertain significance. Review status: criteria provided, multiple submitters, no conflicts (2 of 4 stars). 3 submissions from 3 submitters: Uncertain significance (3). Last evaluated 2026-02-16.

Conditions:
Hereditary breast ovarian cancer syndrome. Also called: Hereditary breast and ovarian cancer syndrome; BRCA1- and BRCA2-Associated Hereditary Breast and Ovarian Cancer; Hereditary breast and ovarian cancer; Hereditary breast and ovarian cancer syndrome (HBOC); Breast and ovarian cancer; Hereditary breast and/or ovarian cancer syndrome. Identifiers: Orphanet 145, MedGen C0677776, MeSH D061325, MONDO:0003582. Disease mechanism: loss of function.
Hereditary cancer-predisposing syndrome. Also called: Neoplastic Syndromes, Hereditary; Tumor predisposition; Hereditary Cancer Syndrome; Hereditary neoplastic syndrome. Identifiers: Orphanet 140162, MedGen C0027672, MeSH D009386, MONDO:0015356.

Allele frequency attached by ClinVar (database versions not stated): gnomAD exomes below 0.00001.
gnomAD v4.1: 1 of 1,614,212 alleles (0.000062%); highest among the groups gnomAD compares: Admixed American, 0.0017%; no homozygotes.

Submissions (3):

Women's Health and Genetics/Laboratory Corporation of America, LabCorp
Classification: Uncertain significance. Last evaluated: 2026-02-16. Review status: criteria provided, single submitter. Criteria: LabCorp Variant Classification Summary - May 2015. Collection method: clinical testing. Allele origin: germline.
Comment: Variant summary: BRCA2 c.7512T>A (p.Phe2504Leu) results in a non-conservative amino acid change in the encoded protein sequence. Algorithms developed to predict the effect of missense changes on protein structure and function are either unavailable or do not agree on the potential impact of this missense change. The variant allele was found at a frequency of 4e-06 in 251414 control chromosomes. The available data on variant occurrences in the general population are insufficient to allow any conclusion about variant significance. To our knowledge, no occurrence of c.7512T>A in individuals affected with BRCA2-related conditions and no experimental evidence demonstrating its impact on protein function have been reported. ClinVar contains an entry for this variant (Variation ID: 3228617). Based on the evidence outlined above, the variant was classified as uncertain significance.

Labcorp Genetics (formerly Invitae), Labcorp
Classification: Uncertain significance for Hereditary breast ovarian cancer syndrome. Last evaluated: 2025-11-12. Review status: criteria provided, single submitter. Criteria: Invitae Variant Classification Sherloc (09022015). Collection method: clinical testing. Allele origin: germline.
Comment: This sequence change replaces phenylalanine, which is neutral and non-polar, with leucine, which is neutral and non-polar, at codon 2504 of the BRCA2 protein (p.Phe2504Leu). This variant is present in population databases (no rsID available, gnomAD 0.003%). This variant has not been reported in the literature in individuals affected with BRCA2-related conditions. ClinVar contains an entry for this variant (Variation ID: 3228617). Invitae Evidence Modeling of protein sequence and biophysical properties (such as structural, functional, and spatial information, amino acid conservation, physicochemical variation, residue mobility, and thermodynamic stability) indicates that this missense variant is not expected to disrupt BRCA2 protein function with a negative predictive value of 95%. In summary, the available evidence is currently insufficient to determine the role of this variant in disease. Therefore, it has been classified as a Variant of Uncertain Significance.

Ambry Genetics
Classification: Uncertain significance for Hereditary cancer-predisposing syndrome. Last evaluated: 2023-10-20. Review status: criteria provided, single submitter. Criteria: Ambry Variant Classification Scheme 2023. Collection method: clinical testing. Allele origin: germline.
Comment: The p.F2504L variant (also known as c.7512T>A), located in coding exon 14 of the BRCA2 gene, results from a T to A substitution at nucleotide position 7512. The phenylalanine at codon 2504 is replaced by leucine, an amino acid with highly similar properties. This amino acid position is not well conserved in available vertebrate species. In addition, this alteration is predicted to be tolerated by in silico analysis. Since supporting evidence is limited at this time, the clinical significance of this alteration remains unclear.

Literature cited by the submitters: PubMed 19043619 (cited by Ambry Genetics).